The following is an entry in ClinVar:

ClinVar aggregate classification (germline): Uncertain significance (1 of 4 stars; one submission).

Submission:

Labcorp Genetics (formerly Invitae), Labcorp
Classification: Uncertain significance. Last evaluated: 2022-05-17. Review status: criteria provided, single submitter. Criteria: Invitae Variant Classification Sherloc (09022015). Collection method: clinical testing. Allele origin: germline.
Comment: In summary, the available evidence is currently insufficient to determine the role of this variant in disease. Therefore, it has been classified as a Variant of Uncertain Significance. Variants that disrupt the consensus splice site are a relatively common cause of aberrant splicing (PMID: 17576681, 9536098). Algorithms developed to predict the effect of sequence changes on RNA splicing suggest that this variant may create or strengthen a splice site. This variant has not been reported in the literature in individuals affected with CDH23-related conditions. This variant is not present in population databases (gnomAD no frequency). This sequence change falls in intron 9 of the CDH23 gene. It does not directly change the encoded amino acid sequence of the CDH23 protein. It affects a nucleotide within the consensus splice site.

Literature cited by the submitters: PubMed 17576681; PubMed 9536098.

NM_022124.6(CDH23):c.833-3C>G

Gene: CDH23 (cadherin related 23; plus strand). Cytogenetic location: 10q22.1.
Variant type: single nucleotide variant.
Coding change: c.833-3C>G on transcript NM_022124.6 (MANE Select); 3 bases into the intron before coding-DNA position 833, C replaced by G.
Molecular consequence: intron variant.
Genome position (GRCh38, 1-based): chr10:71,615,501, C>G. VCF-style: chr10-71615501-C-G. GRCh37 (hg19) VCF-style: chr10-73375258-C-G.
Other names: c.833-3C>G (NM_001171930.2, NM_001171931.2, NM_052836.4 and 1 more transcripts).
Identifiers: ClinVar variation 1995689 (VCV001995689.4), dbSNP rs2493696882, ClinGen allele CA2580081796.
Genomic context (GRCh38, chr10:71,615,501, plus strand): 5'-CCCCCAGCTCCATGCCCCCCTGCCCTGTGCCTGGTCACACCTGAATGCTTCTCTCTCTTG[C>G]AGGGAATACCAACAGCATCTTTGCCCTGGACTACATCAGCGGAGTGCTGACCTTGAATGG-3'